The following is an entry in ClinVar:

NM_001389.5(DSCAM):c.1698G>A (p.Lys566=)

Genes: DSCAM (DS cell adhesion molecule; minus strand), LOC126653376 (BRD4-independent group 4 enhancer GRCh37_chr21:41709903-41711102; plus strand). Cytogenetic location: 21q22.2.
Variant type: single nucleotide variant.
Coding change: c.1698G>A on transcript NM_001389.5 (MANE Select); coding-DNA position 1698, G replaced by A.
Protein change: p.Lys566=; no amino-acid change (lysine 566 retained).
Molecular consequence: synonymous variant. On other transcripts: non-coding transcript variant (1).
Genome position (GRCh38, 1-based): chr21:40,338,186, C>T on the plus strand (G>A on the coding strand, the complement: DSCAM is on the minus strand). VCF-style: chr21-40338186-C-T. GRCh37 (hg19) VCF-style: chr21-41710113-C-T.
Other names: c.1698G>A, p.Lys566= (NM_001271534.3).
Identifiers: ClinVar variation 3341608 (VCV003341608.16).

ClinVar aggregate classification (germline): Likely benign (1 of 4 stars; one submission).

gnomAD v4.1: 192 of 1,614,136 alleles (0.012%); highest among the groups gnomAD compares: Admixed American, 0.017%; 1 homozygote.

Submission:

CeGaT Center for Human Genetics Tuebingen
Classification: Likely benign. Last evaluated: 2024-08-01. Review status: criteria provided, single submitter. Criteria: CeGaT Center For Human Genetics Tuebingen Variant Classification Criteria Version 2. Collection method: clinical testing. Allele origin: germline. Affected: yes. Observed: 1 variant allele.
Comment: DSCAM: BP4, BP7